The following is an entry in ClinVar:

NM_172366.4(FBXO16):c.234A>G (p.Gln78=)

Gene: FBXO16 (F-box protein 16; minus strand). Cytogenetic location: 8p21.1.
Variant type: single nucleotide variant.
Coding change: c.234A>G on transcript NM_172366.4 (MANE Select); coding-DNA position 234, A replaced by G.
Protein change: p.Gln78=; no amino-acid change (glutamine 78 retained).
Molecular consequence: synonymous variant.
Genome position (GRCh38, 1-based): chr8:28,463,720, T>C on the plus strand (A>G on the coding strand, the complement: FBXO16 is on the minus strand). VCF-style: chr8-28463720-T-C. GRCh37 (hg19) VCF-style: chr8-28321237-T-C.
Other names: c.198A>G, p.Gln66= (NM_001258211.2).
Identifiers: ClinVar variation 3234305 (VCV003234305.20), dbSNP rs1376062484, ClinGen allele CA460068376.

ClinVar aggregate classification (germline): Likely benign (1 of 4 stars; one submission).

Submission:

CeGaT Center for Human Genetics Tuebingen
Classification: Likely benign. Last evaluated: 2026-05-01. Review status: criteria provided, single submitter. Criteria: CeGaT Center For Human Genetics Tuebingen Variant Classification Criteria Version 2. Collection method: clinical testing. Allele origin: germline. Affected: yes. Observed: 3 variant alleles.
Comment: FBXO16: PM2:Supporting, BP4, BP7